The following is an entry in ClinVar:

NM_000324.3(RHAG):c.1139-2A>G

Gene: RHAG (Rh associated glycoprotein; minus strand). Cytogenetic location: 6p12.3.
Variant type: single nucleotide variant.
Coding change: c.1139-2A>G on transcript NM_000324.3 (MANE Select); the canonical splice acceptor site of the intron before coding-DNA position 1139, A replaced by G.
Molecular consequence: splice acceptor variant.
Genome position (GRCh38, 1-based): chr6:49,606,923, T>C on the plus strand (A>G on the coding strand, the complement: RHAG is on the minus strand). VCF-style: chr6-49606923-T-C. GRCh37 (hg19) VCF-style: chr6-49574636-T-C.
Identifiers: ClinVar variation 1068333 (VCV001068333.7), dbSNP rs2127349270, ClinGen allele CA364396551.

ClinVar aggregate classification (germline): Likely pathogenic (1 of 4 stars; one submission).

Allele frequency attached by ClinVar (database versions not stated): gnomAD exomes below 0.00001.
gnomAD v4.1: 1 of 1,606,670 alleles (0.000062%); highest among the groups gnomAD compares: Non-Finnish European, 0.000085%; no homozygotes.

Submission:

Labcorp Genetics (formerly Invitae), Labcorp
Classification: Likely pathogenic. Last evaluated: 2017-11-09. Review status: criteria provided, single submitter. Criteria: Invitae Variant Classification Sherloc (09022015). Collection method: clinical testing. Allele origin: germline.
Comment: In summary, the currently available evidence indicates that the variant is pathogenic, but additional data are needed to prove that conclusively. Therefore, this variant has been classified as Likely Pathogenic. Donor and acceptor splice site variants typically lead to a loss of protein function (PMID: 16199547), and loss-of-function variants in RHAG are known to be pathogenic (PMID: 9759472, 28470789). This variant has not been reported in the literature in individuals with RHAG-related disease. This variant is not present in population databases (ExAC no frequency). This sequence change affects an acceptor splice site in intron 8 of the RHAG gene. It is expected to disrupt RNA splicing and likely results in an absent or disrupted protein product.

Literature cited by the submitters: PubMed 16199547; PubMed 9759472; PubMed 28470789.